The following is an entry in ClinVar:

NM_001374353.1(GLI2):c.1577C>G (p.Ala526Gly)

Gene: GLI2 (GLI family zinc finger 2; plus strand). Cytogenetic location: 2q14.2.
Variant type: single nucleotide variant.
Coding change: c.1577C>G on transcript NM_001374353.1 (MANE Select); coding-DNA position 1577, C replaced by G.
Protein change: p.Ala526Gly; replaces alanine 526 with glycine.
Molecular consequence: missense variant.
Genome position (GRCh38, 1-based): chr2:120,982,825, C>G. VCF-style: chr2-120982825-C-G. GRCh37 (hg19) VCF-style: chr2-121740401-C-G.
Other names: c.1628C>G, p.Ala543Gly (NM_001371271.1, NM_005270.5); c.1202C>G, p.Ala401Gly (NM_001374354.1); short protein forms A543G, A401G, A526G.
Identifiers: ClinVar variation 707453 (VCV000707453.8), dbSNP rs201279367, ClinGen allele CA1851957.

ClinVar aggregate classification (germline): Likely benign. Review status: criteria provided, single submitter (1 of 4 stars). 2 submissions from 2 submitters: Likely benign (1). 1 of the submissions does not count toward it. Last evaluated 2023-09-01.

Conditions:
Holoprosencephaly 9 (HPE9). Also called: PITUITARY ANOMALIES WITH HOLOPROSENCEPHALY-LIKE FEATURES; HOLOPROSENCEPHALY WITH MICROPHTHALMIA AND FIRST BRANCHIAL ARCH ANOMALIES. Identifiers: Orphanet 2162, MedGen C1835819, MONDO:0012563, OMIM 610829.
Postaxial polydactyly-anterior pituitary anomalies-facial dysmorphism syndrome. Also called: Culler-Jones syndrome. Identifiers: Orphanet 420584, MedGen C4014479, MONDO:0014369, OMIM 615849.
GLI2-related disorder. Also called: GLI2-related disorders; GLI2-related condition.

Allele frequency attached by ClinVar (database versions not stated): gnomAD 0.00009; TOPMed 0.00010; gnomAD exomes 0.00023; ExAC 0.00024; 1000 Genomes Project 30x 0.00031; 1000 Genomes Project 0.00040.
gnomAD v4.1: 76 of 1,614,176 alleles (0.0047%); highest among the groups gnomAD compares: East Asian, 0.15%; no homozygotes.

Submissions (2):

Labcorp Genetics (formerly Invitae), Labcorp
Classification: Likely benign for Postaxial polydactyly-anterior pituitary anomalies-facial dysmorphism syndrome; Holoprosencephaly 9. Last evaluated: 2023-09-01. Review status: criteria provided, single submitter. Criteria: Invitae Variant Classification Sherloc (09022015). Collection method: clinical testing. Allele origin: germline.

PreventionGenetics, part of Exact Sciences
Classification: Likely benign for GLI2-related condition. Last evaluated: 2019-09-04. Review status: no assertion criteria provided. Collection method: clinical testing. Allele origin: germline. Not counted in ClinVar's aggregate classification.
Comment: This variant is classified as likely benign based on ACMG/AMP sequence variant interpretation guidelines (Richards et al. 2015 PMID: 25741868, with internal and published modifications).